The following is an entry in ClinVar:

ClinVar aggregate classification (germline): Uncertain significance (1 of 4 stars; one submission).

Conditions:
Immunodeficiency 39 (IMD39). Identifiers: Orphanet 574918, MedGen C4225358, MONDO:0014597, OMIM 616345.

gnomAD v4.1: 1 of 1,611,766 alleles (0.000062%); highest among the groups gnomAD compares: Non-Finnish European, 0.000085%; no homozygotes.

Submission:

Labcorp Genetics (formerly Invitae), Labcorp
Classification: Uncertain significance for Immunodeficiency 39. Last evaluated: 2025-07-21. Review status: criteria provided, single submitter. Criteria: Invitae Variant Classification Sherloc (09022015). Collection method: clinical testing. Allele origin: germline.
Comment: This sequence change replaces glycine, which is neutral and non-polar, with glutamic acid, which is acidic and polar, at codon 193 of the IRF7 protein (p.Gly193Glu). This variant is not present in population databases (gnomAD no frequency). This variant has not been reported in the literature in individuals affected with IRF7-related conditions. Invitae Evidence Modeling of protein sequence and biophysical properties (such as structural, functional, and spatial information, amino acid conservation, physicochemical variation, residue mobility, and thermodynamic stability) indicates that this missense variant is not expected to disrupt IRF7 protein function with a negative predictive value of 80%. In summary, the available evidence is currently insufficient to determine the role of this variant in disease. Therefore, it has been classified as a Variant of Uncertain Significance.

NM_001572.5(IRF7):c.539G>A (p.Gly180Glu)

Gene: IRF7 (interferon regulatory factor 7; minus strand). Cytogenetic location: 11p15.5.
Variant type: single nucleotide variant.
Coding change: c.539G>A on transcript NM_001572.5 (MANE Select); coding-DNA position 539, G replaced by A.
Protein change: p.Gly180Glu; replaces glycine 180 with glutamic acid.
Molecular consequence: missense variant. On other transcripts: intron variant (1).
Genome position (GRCh38, 1-based): chr11:614,314, C>T on the plus strand (G>A on the coding strand, the complement: IRF7 is on the minus strand). VCF-style: chr11-614314-C-T. GRCh37 (hg19) VCF-style: chr11-614314-C-T.
Other names: c.575G>A, p.Gly192Glu (NM_001440440.1); c.536G>A, p.Gly179Glu (NM_001440442.1, NM_001440445.1); c.578G>A, p.Gly193Glu (NM_001440444.1, NM_004031.4); c.539G>A, p.Gly180Glu (NM_004029.4); c.395-449G>A (NM_001440446.1); short protein forms G192E, G180E, G193E, G179E.
Identifiers: ClinVar variation 4741888 (VCV004741888.1).
Genomic context (GRCh38, chr11:614,314, plus strand): 5'-GACGCTGTCAGCAGATGGTCTGCCAGGCAGCTCTGTTGCACTGCCTGGAGCAGGAGGTCC[C>T]CCTTGTCACCAGCTGGGGCAGGGAGGGGGCCTGGGGCTTGGAGTCCAGCATGTGTGTGTG-3'
Protein context (NP_001563.2, residues 170-190): GPLPAPAGDK[Gly180Glu]DLLLQAVQQS